The following is an entry in ClinVar:

ClinVar aggregate classification (germline): Uncertain significance (1 of 4 stars; one submission).

Conditions:
Hereditary cancer-predisposing syndrome. Also called: Hereditary Cancer Syndrome; Neoplastic Syndromes, Hereditary; Hereditary neoplastic syndrome; Tumor predisposition. Identifiers: Orphanet 140162, MedGen C0027672, MeSH D009386, MONDO:0015356.

Submission:

Labcorp Genetics (formerly Invitae), Labcorp
Classification: Uncertain significance for Hereditary cancer-predisposing syndrome. Last evaluated: 2023-07-08. Review status: criteria provided, single submitter. Criteria: Invitae Variant Classification Sherloc (09022015). Collection method: clinical testing. Allele origin: germline.
Comment: This sequence change replaces methionine, which is neutral and non-polar, with isoleucine, which is neutral and non-polar, at codon 7 of the RAD50 protein (p.Met7Ile). This variant is not present in population databases (gnomAD no frequency). This variant has not been reported in the literature in individuals affected with RAD50-related conditions. Advanced modeling of protein sequence and biophysical properties (such as structural, functional, and spatial information, amino acid conservation, physicochemical variation, residue mobility, and thermodynamic stability) performed at Invitae indicates that this missense variant is not expected to disrupt RAD50 protein function. In summary, the available evidence is currently insufficient to determine the role of this variant in disease. Therefore, it has been classified as a Variant of Uncertain Significance.

NM_005732.4(RAD50):c.21G>A (p.Met7Ile)

Gene: RAD50 (RAD50 double strand break repair protein; plus strand). Cytogenetic location: 5q31.1.
Variant type: single nucleotide variant.
Coding change: c.21G>A on transcript NM_005732.4 (MANE Select); coding-DNA position 21, G replaced by A.
Protein change: p.Met7Ile; replaces methionine 7 with isoleucine.
Molecular consequence: missense variant.
Genome position (GRCh38, 1-based): chr5:132,557,345, G>A. VCF-style: chr5-132557345-G-A. GRCh37 (hg19) VCF-style: chr5-131893037-G-A.
Other names: short protein forms M7I.
Identifiers: ClinVar variation 2738698 (VCV002738698.3), dbSNP rs1280108868, ClinGen allele CA360950807.